The following is an entry in ClinVar:

ClinVar aggregate classification (germline): Uncertain significance. Review status: criteria provided, single submitter (1 of 4 stars). 3 submissions from 3 submitters: Uncertain significance (1). 2 of the submissions do not count toward it. Last evaluated 2022-05-31.

Conditions:
Glycine encephalopathy 1 (GCE1). Identifiers: MedGen CN376801, MONDO:0958179, OMIM 605899.
Glycine encephalopathy. Also called: Non-ketotic hyperglycinemia; Nonketotic hyperglycinemia. Identifiers: Orphanet 407, MedGen C0751748, MONDO:0011612, HP:0008288.

Submissions (3):

Labcorp Genetics (formerly Invitae), Labcorp
Classification: Uncertain significance for Glycine encephalopathy. Last evaluated: 2022-05-31. Review status: criteria provided, single submitter. Criteria: Invitae Variant Classification Sherloc (09022015). Collection method: clinical testing. Allele origin: germline.
Comment: This variant, c.642_644del, results in the deletion of 1 amino acid(s) of the GLDC protein (p.Asn214del), but otherwise preserves the integrity of the reading frame. This variant is present in population databases (no rsID available, gnomAD 0.006%). This variant has not been reported in the literature in individuals affected with GLDC-related conditions. ClinVar contains an entry for this variant (Variation ID: 555766). Experimental studies and prediction algorithms are not available or were not evaluated, and the functional significance of this variant is currently unknown. In summary, the available evidence is currently insufficient to determine the role of this variant in disease. Therefore, it has been classified as a Variant of Uncertain Significance.

Natera, Inc.
Classification: Uncertain significance for Non-ketotic hyperglycinemia. Last evaluated: 2021-08-09. Review status: no assertion criteria provided. Collection method: clinical testing. Allele origin: germline. Not counted in ClinVar's aggregate classification.

Counsyl
Classification: Uncertain significance for Glycine encephalopathy 1. Last evaluated: 2017-12-21. Review status: no assertion criteria provided. Collection method: clinical testing. Allele origin: unknown. Not counted in ClinVar's aggregate classification.

NM_000170.3(GLDC):c.639CAA[1] (p.Asn214del)

Gene: GLDC (glycine decarboxylase; minus strand). Cytogenetic location: 9p24.1.
Variant type: Microsatellite.
Coding change: c.639CAA[1] on transcript NM_000170.3 (MANE Select); one copy of the 3-base unit CAA starting at c.639; the reference has two copies in a row; one copy, 3 bases deleted; also written c.642_644del.
Protein change: p.Asn214del; deletes asparagine 214.
Molecular consequence: inframe deletion.
Genome position (GRCh38, 1-based): chr9:6,606,661-6,606,663, TTG deleted on the plus strand (CAA on the coding strand, the reverse complement: GLDC is on the minus strand); deleting any 3 consecutive bases within chr9:6,606,661-6,606,667 gives the same sequence; the position shown is the placement nearest the transcript's 3' end. VCF-style (leftmost placement, unchanged base first): chr9-6606660-CTTG-C. GRCh37 (hg19) VCF-style: chr9-6606660-CTTG-C.
Other names: c.642_644del (NM_000170.3); c.642_644delCAA (NM_000170.2); short protein forms N214del.
Identifiers: ClinVar variation 555766 (VCV000555766.10), dbSNP rs1222749984, ClinGen allele CA585769828.